The following is an entry in ClinVar:

ClinVar aggregate classification (germline): Likely pathogenic (1 of 4 stars; one submission).

Submission:

Labcorp Genetics (formerly Invitae), Labcorp
Classification: Likely pathogenic. Last evaluated: 2023-04-14. Review status: criteria provided, single submitter. Criteria: Invitae Variant Classification Sherloc (09022015). Collection method: clinical testing. Allele origin: germline.
Comment: In summary, the currently available evidence indicates that the variant is pathogenic, but additional data are needed to prove that conclusively. Therefore, this variant has been classified as Likely Pathogenic. This variant has not been reported in the literature in individuals affected with MSTO1-related conditions. This variant results in a copy number gain of the genomic region encompassing exon(s) 9-12 of the MSTO1 gene. While the exact position of this variant cannot be determined from the data, sub-genic copy number gains are generally in tandem (PMID: 25640679). This variant is predicted to be out-of-frame, and may result in an absent or disrupted protein product. Loss-of-function variants in MSTO1 are known to be pathogenic (PMID: 28544275, 29339779, 31463572).

Literature cited by the submitters: PubMed 25640679; PubMed 28544275; PubMed 29339779; PubMed 31463572.

NC_000001.10:g.(?_155582189)_(155583377_?)dup

Gene: MSTO1 (misato mitochondrial distribution and morphology regulator 1; plus strand). Cytogenetic location: 1q22.
Variant type: Duplication.
Identifiers: ClinVar variation 2426444 (VCV002426444.4).